The following is an entry in ClinVar:

ClinVar aggregate classification (germline): Uncertain significance. Review status: criteria provided, multiple submitters, no conflicts (2 of 4 stars). 3 submissions from 3 submitters: Uncertain significance (3). Last evaluated 2022-09-06.

Conditions:
Inborn genetic diseases. Identifiers: MedGen C0950123, MeSH D030342.

Allele frequency attached by ClinVar (database versions not stated): gnomAD exomes 0.00003 and 0.00013; ExAC 0.00004; gnomAD 0.00005; TOPMed 0.00007.
gnomAD v4.1: 56 of 1,614,064 alleles (0.0035%); highest among the groups gnomAD compares: Admixed American, 0.05%; no homozygotes.

Submissions (3):

Labcorp Genetics (formerly Invitae), Labcorp
Classification: Uncertain significance. Last evaluated: 2022-09-06. Review status: criteria provided, single submitter. Criteria: Invitae Variant Classification Sherloc (09022015). Collection method: clinical testing. Allele origin: germline.
Comment: This sequence change replaces asparagine, which is neutral and polar, with serine, which is neutral and polar, at codon 651 of the WDR62 protein (p.Asn651Ser). This variant is present in population databases (rs751177188, gnomAD 0.07%). This variant has not been reported in the literature in individuals affected with WDR62-related conditions. ClinVar contains an entry for this variant (Variation ID: 1430998). Algorithms developed to predict the effect of missense changes on protein structure and function are either unavailable or do not agree on the potential impact of this missense change (SIFT: "Tolerated"; PolyPhen-2: "Possibly Damaging"; Align-GVGD: "Class C0"). In summary, the available evidence is currently insufficient to determine the role of this variant in disease. Therefore, it has been classified as a Variant of Uncertain Significance.

Ambry Genetics
Classification: Uncertain significance for Inborn genetic diseases. Last evaluated: 2021-10-22. Review status: criteria provided, single submitter. Criteria: Ambry Variant Classification Scheme 2023. Collection method: clinical testing. Allele origin: germline.

Breakthrough Genomics
Classification: Uncertain significance. Review status: criteria provided, single submitter. Criteria: ACMG Guidelines, 2015. Collection method: not provided. Allele origin: germline. Inheritance: Autosomal dominant inheritance. Affected: yes.

NM_001083961.2(WDR62):c.1952A>G (p.Asn651Ser)

Gene: WDR62 (WD repeat domain 62; plus strand). Cytogenetic location: 19q13.12.
Variant type: single nucleotide variant.
Coding change: c.1952A>G on transcript NM_001083961.2 (MANE Select); coding-DNA position 1952, A replaced by G.
Protein change: p.Asn651Ser; replaces asparagine 651 with serine.
Molecular consequence: missense variant.
Genome position (GRCh38, 1-based): chr19:36,089,300, A>G. VCF-style: chr19-36089300-A-G. GRCh37 (hg19) VCF-style: chr19-36580202-A-G.
Other names: c.1952A>G, p.Asn651Ser (NM_173636.5); c.1952A>G (NM_001083961.1); short protein forms N651S.
Identifiers: ClinVar variation 1430998 (VCV001430998.7), dbSNP rs751177188, ClinGen allele CA9395784.